The following is an entry in ClinVar:

ClinVar aggregate classification (germline): Uncertain significance (1 of 4 stars; one submission).

Conditions:
Tessadori-van Haaften neurodevelopmental syndrome 1 (TEBIVANED1). Also called: TESSADORI-BICKNELL-VAN HAAFTEN NEURODEVELOPMENTAL SYNDROME 1. Identifiers: MedGen C5676922, MONDO:0030729, OMIM 619758.

Submission:

3billion
Classification: Uncertain significance for Tessadori-van Haaften neurodevelopmental syndrome 1. Last evaluated: 2025-11-24. Review status: criteria provided, single submitter. Criteria: ACMG Guidelines, 2015. Collection method: clinical testing. Allele origin: germline. Affected: yes.
Comment: The variant is not observed in the gnomAD v4.1.0 dataset. Predicted Consequence/Location: Missense variant. Missense changes are a common disease-causing mechanism. In silico tool predictions suggest damaging effect of the variant on gene or gene product [REVEL: 0.63 (>=0.6, sensitivity 0.68 and specificity 0.92); 3Cnet: 0.76 (> 0.75, sensitivity 0.96 and precision 0.92)]. The variant has been reported as of uncertain significance (ClinVar ID: VCV002761000). Different missense changes at the same codon have been reported as of uncertain significance (ClinVar ID: VCV004033501). Therefore, this variant is classified as VUS according to the recommendation of ACMG/AMP guideline.

NM_003542.4(H4C3):c.184T>C (p.Phe62Leu)

Gene: H4C3 (H4 clustered histone 3; plus strand). Cytogenetic location: 6p22.2.
Variant type: single nucleotide variant.
Coding change: c.184T>C on transcript NM_003542.4 (MANE Select); coding-DNA position 184, T replaced by C.
Protein change: p.Phe62Leu; replaces phenylalanine 62 with leucine.
Molecular consequence: missense variant.
Genome position (GRCh38, 1-based): chr6:26,104,131, T>C. VCF-style: chr6-26104131-T-C. GRCh37 (hg19) VCF-style: chr6-26104359-T-C.
Other names: short protein forms F62L.
Identifiers: ClinVar variation 4854211 (VCV004854211.1).